The following is an entry in ClinVar:

ClinVar aggregate classification (germline): Benign. Review status: criteria provided, multiple submitters, no conflicts (2 of 4 stars). 6 submissions from 6 submitters: Benign (6). Last evaluated 2026-02-04.

Conditions:
Cardiomyopathy (CMYO). Also called: Cardiomyopathies. Identifiers: Orphanet 167848, MedGen C0878544, MONDO:0004994, HP:0001638. Inheritance: Various modes of inheritance.
Hypertrophic cardiomyopathy 1 (CMH1). Also called: Familial hypertrophic cardiomyopathy 1; MYH7-Related Familial Hypertrophic Cardiomyopathy. Identifiers: MedGen C3495498, MONDO:0008647, OMIM 192600.

Allele frequency attached by ClinVar (database versions not stated): 1000 Genomes Project 30x 0.07417; gnomAD 0.09164 and 0.09349; gnomAD exomes 0.12095 and 0.06336; 1000 Genomes Project 0.07228; TOPMed 0.08946; ESP Exome Variant Server 0.09734; ExAC 0.07943.
gnomAD v4.1: 112,345 of 963,036 alleles (12%); highest among the groups gnomAD compares: Middle Eastern, 18%; 4,488 homozygotes.

Submissions (6):

Labcorp Genetics (formerly Invitae), Labcorp
Classification: Benign for Hypertrophic cardiomyopathy 1. Last evaluated: 2026-02-04. Review status: criteria provided, single submitter. Criteria: Invitae Variant Classification Sherloc (09022015). Collection method: clinical testing. Allele origin: germline.

Mayo Clinic Laboratories, Mayo Clinic
Classification: Benign. Last evaluated: 2014-05-08. Review status: criteria provided, single submitter. Criteria: ACMG Guidelines, 2015. Collection method: clinical testing. Allele origin: germline. Observed: 97 variant alleles.

GeneDx
Classification: Benign. Last evaluated: 2014-01-15. Review status: criteria provided, single submitter. Criteria: GeneDx Variant Classification (06012015). Collection method: clinical testing. Allele origin: germline. Affected: yes.
Comment: This variant is considered likely benign or benign based on one or more of the following criteria: it is a conservative change, it occurs at a poorly conserved position in the protein, it is predicted to be benign by multiple in silico algorithms, and/or has population frequency not consistent with disease.

Laboratory for Molecular Medicine, Mass General Brigham Personalized Medicine
Classification: Benign. Last evaluated: 2012-04-19. Review status: criteria provided, single submitter. Criteria: LMM Criteria. Collection method: clinical testing. Allele origin: germline. Observed: 293 variant alleles.

Women's Health and Genetics/Laboratory Corporation of America, LabCorp
Classification: Benign for Cardiomyopathy. Last evaluated: 2011-08-18. Review status: criteria provided, single submitter. Criteria: LabCorp Variant Classification Summary - May 2015. Collection method: curation. Allele origin: germline. Inheritance: autosomal unknown. Affected: yes.
ClinVar note: Converted during submission from benign to Benign.

Breakthrough Genomics
Classification: Benign. Review status: criteria provided, single submitter. Criteria: ACMG Guidelines, 2015. Collection method: not provided. Allele origin: germline. Inheritance: Autosomal dominant inheritance. Affected: yes.

NM_033118.4(MYLK2):c.1710+15A>G

Gene: MYLK2 (myosin light chain kinase 2; plus strand). Cytogenetic location: 20q11.21.
Variant type: single nucleotide variant.
Coding change: c.1710+15A>G on transcript NM_033118.4 (MANE Select); 15 bases into the intron after coding-DNA position 1710, A replaced by G.
Molecular consequence: intron variant.
Genome position (GRCh38, 1-based): chr20:31,832,151, A>G. VCF-style: chr20-31832151-A-G. GRCh37 (hg19) VCF-style: chr20-30419954-A-G.
Identifiers: ClinVar variation 36651 (VCV000036651.16), dbSNP rs6060980, ClinGen allele CA138520.
Genomic context (GRCh38, chr20:31,832,151, plus strand): 5'-GTCCCAGATCTTGCTTAAGAAATACCTCATGAAGAGGCGCTGGAAGGTACCGCTGGATTC[A>G]GGGTGGGGAGGGAGGGCTTGCTAGTGGGAAGAGCTCCTGGTGCCAGATCCCAGCCTCCAC-3'